The following is an entry in ClinVar:

ClinVar aggregate classification (germline): Benign/Likely benign. Review status: criteria provided, multiple submitters, no conflicts (2 of 4 stars). 11 submissions from 11 submitters: Benign (6); Likely benign (2). 3 of the submissions do not count toward it. Last evaluated 2026-02-04.

Conditions:
Combined immunodeficiency due to DOCK8 deficiency (HIES2). Also called: HYPER-IgE SYNDROME 2, AUTOSOMAL RECESSIVE, WITH RECURRENT INFECTIONS; HIES autosomal recessive; Hyper-IgE recurrent infection syndrome, autosomal recessive; HYPER-IgE RECURRENT INFECTION SYNDROME 2, AUTOSOMAL RECESSIVE; DOCK8 Deficiency. Identifiers: Orphanet 217390, MedGen C4722305, MONDO:0009478, OMIM 243700.

Allele frequency attached by ClinVar (database versions not stated): 1000 Genomes Project 30x 0.01718; 1000 Genomes Project 0.01757; TOPMed 0.02267; gnomAD 0.02275 and 0.02297; ESP Exome Variant Server 0.02453; gnomAD exomes 0.02829; ExAC 0.02879.
gnomAD v4.1: 48,653 of 1,614,184 alleles (3%); highest among the groups gnomAD compares: South Asian, 5.6%; 905 homozygotes.

Submissions (11):

Labcorp Genetics (formerly Invitae), Labcorp
Classification: Benign for Combined immunodeficiency due to DOCK8 deficiency. Last evaluated: 2026-02-04. Review status: criteria provided, single submitter. Criteria: Invitae Variant Classification Sherloc (09022015). Collection method: clinical testing. Allele origin: germline.

Women's Health and Genetics/Laboratory Corporation of America, LabCorp
Classification: Likely benign. Last evaluated: 2026-01-21. Review status: criteria provided, single submitter. Criteria: LabCorp Variant Classification Summary - May 2015. Collection method: clinical testing. Allele origin: germline.

Blueprint Genetics
Classification: Likely benign. Last evaluated: 2024-11-27. Review status: criteria provided, single submitter. Criteria: ACMG Guidelines, 2015. Collection method: clinical testing. Allele origin: germline.

Mayo Clinic Laboratories, Mayo Clinic
Classification: Benign. Last evaluated: 2019-07-31. Review status: criteria provided, single submitter. Criteria: ACMG Guidelines, 2015. Collection method: clinical testing. Allele origin: germline. Observed: 53 variant alleles.

Illumina Laboratory Services, Illumina
Classification: Benign for Combined immunodeficiency due to DOCK8 deficiency. Last evaluated: 2018-01-13. Review status: criteria provided, single submitter. Criteria: ICSL Variant Classification Criteria 13 December 2019. Collection method: clinical testing. Allele origin: germline.
Comment: This variant was observed in the ICSL laboratory as part of a predisposition screen in an ostensibly healthy population. It had not been previously curated by ICSL or reported in the Human Gene Mutation Database (HGMD: prior to June 1st, 2018), and was therefore a candidate for classification through an automated scoring system. Utilizing variant allele frequency, disease prevalence and penetrance estimates, and inheritance mode, an automated score was calculated to assess if this variant is too frequent to cause the disease. Based on the score and internal cut-off values, a variant classified as benign is not then subjected to further curation. The score for this variant resulted in a classification of benign for this disease.

GeneDx
Classification: Benign. Last evaluated: 2015-03-03. Review status: criteria provided, single submitter. Criteria: GeneDx Variant Classification Process June 2021. Collection method: clinical testing. Allele origin: germline. Affected: yes.

Laboratory for Molecular Medicine, Mass General Brigham Personalized Medicine
Classification: Benign. Last evaluated: 2013-02-21. Review status: criteria provided, single submitter. Criteria: LMM Criteria. Collection method: clinical testing. Allele origin: germline. Observed: 6 variant alleles.
Comment: Glu237Lys in exon 6 of DOCK8: This variant is not expected to have clinical sign ificance because it has been identified in 3.3% (283/8600) of European American chromosomes from a broad population by the NHLBI Exome Sequencing Project (dbSNP rs11789099).

Breakthrough Genomics
Classification: Benign. Review status: criteria provided, single submitter. Criteria: ACMG Guidelines, 2015. Collection method: not provided. Allele origin: germline. Inheritance: Autosomal recessive inheritance. Affected: yes.

Genome Diagnostics Laboratory, Amsterdam University Medical Center
Classification: Benign. Review status: no assertion criteria provided. Collection method: clinical testing. Allele origin: germline. Affected: yes. Study: VKGL Data-share Consensus. Not counted in ClinVar's aggregate classification.

Genome Diagnostics Laboratory, University Medical Center Utrecht
Classification: Benign. Review status: no assertion criteria provided. Collection method: clinical testing. Allele origin: germline. Affected: yes. Study: VKGL Data-share Consensus. Not counted in ClinVar's aggregate classification.

Laboratory of Diagnostic Genome Analysis, Leiden University Medical Center (LUMC)
Classification: Likely benign. Review status: no assertion criteria provided. Collection method: clinical testing. Allele origin: germline. Affected: yes. Study: VKGL Data-share Consensus. Not counted in ClinVar's aggregate classification.

NM_203447.4(DOCK8):c.709G>A (p.Glu237Lys)

Gene: DOCK8 (dedicator of cytokinesis 8; plus strand). Cytogenetic location: 9p24.3.
Variant type: single nucleotide variant.
Coding change: c.709G>A on transcript NM_203447.4 (MANE Select); coding-DNA position 709, G replaced by A.
Protein change: p.Glu237Lys; replaces glutamic acid 237 with lysine.
Molecular consequence: missense variant.
Genome position (GRCh38, 1-based): chr9:312,134, G>A. VCF-style: chr9-312134-G-A. GRCh37 (hg19) VCF-style: chr9-312134-G-A.
Other names: c.505G>A, p.Glu169Lys (NM_001190458.2, NM_001193536.2); short protein forms E237K, E169K.
Identifiers: ClinVar variation 163173 (VCV000163173.26), dbSNP rs11789099, ClinGen allele CA175844.
Genomic context (GRCh38, chr9:312,134, plus strand): 5'-GTGAGTGCCGAGGACTTTGAGAAGCAGAACGAGGAGGCCCGGAGGACCAATAGGCAGGCC[G>A]AGCTCTTTGCCCTTTACCCATCAGTGGACGAGGTGGGTGCCACTGTTTCCATACTGGAGA-3'
Protein context (NP_982272.2, residues 227-247): EEARRTNRQA[Glu237Lys]LFALYPSVDE